The following is an entry in ClinVar:

NM_000096.4(CP):c.2309_2316dup (p.Phe773fs)

Gene: CP (ceruloplasmin; minus strand). Cytogenetic location: 3q24.
Variant type: Duplication.
Coding change: c.2309_2316dup on transcript NM_000096.4 (MANE Select); coding-DNA positions 2309 to 2316, 8 bases duplicated (AGGGAGAG; older notation c.2309_2316dupAGGGAGAG).
Protein change: p.Phe773fs; shifts the reading frame from phenylalanine 773.
Molecular consequence: frameshift variant. On other transcripts: non-coding transcript variant (1).
Genome position (GRCh38, 1-based): chr3:149,183,575-149,183,582, CTCTCCCT duplicated on the plus strand (AGGGAGAG on the coding strand, the reverse complement: CP is on the minus strand). VCF-style (leftmost placement, unchanged base first): chr3-149183574-A-ACTCTCCCT. GRCh37 (hg19) VCF-style: chr3-148901361-A-ACTCTCCCT.
Other names: short protein forms F773fs.
Identifiers: ClinVar variation 4730932 (VCV004730932.1).

ClinVar aggregate classification (germline): Pathogenic (1 of 4 stars; one submission).

Conditions:
Deficiency of ferroxidase (ACEP). Also called: NEURODEGENERATION WITH BRAIN IRON ACCUMULATION 10; Deficiency of ceruloplasmin; Aceruloplasminemia; Ceruloplasmin deficiency; Familial apoceruloplasmin deficiency; Hereditary ceruloplasmin deficiency. Identifiers: Orphanet 48818, MedGen C0878682, MONDO:0011426, OMIM 604290, HP:0025498.

Submission:

Labcorp Genetics (formerly Invitae), Labcorp
Classification: Pathogenic for Deficiency of ferroxidase. Last evaluated: 2025-11-11. Review status: criteria provided, single submitter. Criteria: Invitae Variant Classification Sherloc (09022015). Collection method: clinical testing. Allele origin: germline.
Comment: This sequence change creates a premature translational stop signal (p.Phe773Argfs*6) in the CP gene. It is expected to result in an absent or disrupted protein product. Loss-of-function variants in CP are known to be pathogenic (PMID: 16629161). This variant is not present in population databases (gnomAD no frequency). This variant has not been reported in the literature in individuals affected with CP-related conditions. Algorithms developed to predict the effect of sequence changes on RNA splicing suggest that this variant may disrupt the consensus splice site. For these reasons, this variant has been classified as Pathogenic.

Literature cited by the submitters: PubMed 16629161.